The following is an entry in ClinVar:

ClinVar aggregate classification (germline): Likely benign (1 of 4 stars; one submission).

Allele frequency attached by ClinVar (database versions not stated): TOPMed 0.00014; ESP Exome Variant Server 0.00015; 1000 Genomes Project 30x 0.00016; 1000 Genomes Project 0.00020; gnomAD exomes 0.00024; gnomAD 0.00038; ExAC 0.00039.

Submission:

CeGaT Center for Human Genetics Tuebingen
Classification: Likely benign. Last evaluated: 2026-05-01. Review status: criteria provided, single submitter. Criteria: CeGaT Center For Human Genetics Tuebingen Variant Classification Criteria Version 2. Collection method: clinical testing. Allele origin: germline. Affected: yes. Observed: 3 variant alleles.
Comment: MYO9A: BS1

NM_006901.4(MYO9A):c.1390G>A (p.Glu464Lys)

Gene: MYO9A (myosin IXA; minus strand). Cytogenetic location: 15q23.
Variant type: single nucleotide variant.
Coding change: c.1390G>A on transcript NM_006901.4 (MANE Select); coding-DNA position 1390, G replaced by A.
Protein change: p.Glu464Lys; replaces glutamic acid 464 with lysine.
Molecular consequence: missense variant.
Genome position (GRCh38, 1-based): chr15:71,999,931, C>T on the plus strand (G>A on the coding strand, the complement: MYO9A is on the minus strand). VCF-style: chr15-71999931-C-T. GRCh37 (hg19) VCF-style: chr15-72292272-C-T.
Other names: short protein forms E464K.
Identifiers: ClinVar variation 2672591 (VCV002672591.23), dbSNP rs201884018, ClinGen allele CA7642212.